The following is an entry in ClinVar:

ClinVar aggregate classification (germline): Uncertain significance (1 of 4 stars; one submission).

Conditions:
Hereditary sensory and autonomic neuropathy type 6. Also called: HSAN VI; Neuropathy, hereditary sensory and autonomic, type VI. Identifiers: Orphanet 314381, MedGen C3539003, MONDO:0013839, OMIM 614653.
Epidermolysis bullosa simplex 3, localized or generalized intermediate, with BP230 deficiency (EBS3). Also called: Epidermolysis bullosa simplex due to BP230 deficiency; Epidermolysis bullosa simplex, autosomal recessive 2. Identifiers: Orphanet 412181, MedGen C3809470, MONDO:0014180, OMIM 615425.

Submission:

Labcorp Genetics (formerly Invitae), Labcorp
Classification: Uncertain significance for Epidermolysis bullosa simplex 3, localized or generalized intermediate, with BP230 deficiency; Hereditary sensory and autonomic neuropathy type 6. Last evaluated: 2024-03-22. Review status: criteria provided, single submitter. Criteria: Invitae Variant Classification Sherloc (09022015). Collection method: clinical testing. Allele origin: germline.
Comment: The DST gene has multiple clinically relevant transcripts. This variant occurs in alternate transcript NM_015548.4, and corresponds to NM_001723.5:c.*130076T>C in the primary transcript. This sequence change affects codon 4403 of the DST mRNA. It is a 'silent' change, meaning that it does not change the encoded amino acid sequence of the DST protein. This variant is not present in population databases (gnomAD no frequency). This variant has not been reported in the literature in individuals affected with DST-related conditions. Experimental studies and prediction algorithms are not available or were not evaluated, and the effect of this variant on mRNA splicing is currently unknown. In summary, the available evidence is currently insufficient to determine the role of this variant in disease. Therefore, it has been classified as a Variant of Uncertain Significance.

NM_001374736.1(DST):c.21078T>C (p.Phe7026=)

Gene: DST (dystonin; minus strand). Cytogenetic location: 6p12.1.
Variant type: single nucleotide variant.
Coding change: c.21078T>C on transcript NM_001374736.1 (MANE Select); coding-DNA position 21078, T replaced by C.
Protein change: p.Phe7026=; no amino-acid change (phenylalanine 7026 retained).
Molecular consequence: synonymous variant.
Genome position (GRCh38, 1-based): chr6:56,485,441, A>G on the plus strand (T>C on the coding strand, the complement: DST is on the minus strand). VCF-style: chr6-56485441-A-G. GRCh37 (hg19) VCF-style: chr6-56350239-A-G.
Other names: c.14721T>C, p.Phe4907= (NM_001144769.5); c.14307T>C, p.Phe4769= (NM_001144770.2); c.21078T>C, p.Phe7026= (NM_001374722.1); c.20118T>C, p.Phe6706= (NM_001374729.1); c.13860T>C, p.Phe4620= (NM_001374730.1); c.21105T>C, p.Phe7035= (NM_001374734.1); c.14187T>C, p.Phe4729= (NM_001386100.1, NM_183380.4); c.13209T>C, p.Phe4403= (NM_015548.5).
Identifiers: ClinVar variation 3755476 (VCV003755476.2).